The following is an entry in ClinVar:

NM_017662.5(TRPM6):c.*670A>C

Gene: TRPM6 (transient receptor potential cation channel subfamily M member 6; minus strand). Cytogenetic location: 9q21.13.
Variant type: single nucleotide variant.
Coding change: c.*670A>C on transcript NM_017662.5 (MANE Select); 670 bases downstream of the stop codon, A replaced by C.
Molecular consequence: 3 prime UTR variant.
Genome position (GRCh38, 1-based): chr9:74,723,943, T>G on the plus strand (A>C on the coding strand, the complement: TRPM6 is on the minus strand). VCF-style: chr9-74723943-T-G. GRCh37 (hg19) VCF-style: chr9-77338859-T-G.
Other names: c.*670A>C (NM_001177310.2, NM_001177311.2).
Identifiers: ClinVar variation 914864 (VCV000914864.4), dbSNP rs144874847, ClinGen allele CA193286796.
Genomic context (GRCh38, chr9:74,723,943, plus strand): 5'-TATATATATAAAAATATATATAATATACATATTCCATATATATTATATATGGAAGGGTAT[T>G]TGTTTTAGGTTTCCCTTTCTTTTACAGAAACCTGAAATATCCAGGCATCATATGATTCAC-3'

ClinVar aggregate classification (germline): Likely benign (1 of 4 stars; one submission).

Conditions:
Intestinal hypomagnesemia 1. Also called: HYPOMAGNESEMIA, INTESTINAL, WITH SECONDARY HYPOCALCEMIA; HYPOMAGNESEMIC TETANY. Identifiers: Orphanet 30924, MedGen C1865974, MONDO:0011176, OMIM 602014.

Allele frequency attached by ClinVar (database versions not stated): 1000 Genomes Project 0.00060; gnomAD 0.00064 and 0.00072; TOPMed 0.00074; 1000 Genomes Project 30x 0.00078.
gnomAD v4.1: 94 of 147,852 alleles (0.064%); highest among the groups gnomAD compares: African/African-American, 0.19%; no homozygotes.

Submission:

Illumina Laboratory Services, Illumina
Classification: Likely benign for Intestinal hypomagnesemia 1. Last evaluated: 2018-01-13. Review status: criteria provided, single submitter. Criteria: ICSL Variant Classification Criteria 13 December 2019. Collection method: clinical testing. Allele origin: germline.
Comment: This variant was observed in the ICSL laboratory as part of a predisposition screen in an ostensibly healthy population. It had not been previously curated by ICSL or reported in the Human Gene Mutation Database (HGMD: prior to June 1st, 2018), and was therefore a candidate for classification through an automated scoring system. Utilizing variant allele frequency, disease prevalence and penetrance estimates, and inheritance mode, an automated score was calculated to assess if this variant is too frequent to cause the disease. Based on the score and internal cut-off values, a variant classified as likely benign is not then subjected to further curation. The score for this variant resulted in a classification of likely benign for this disease.